The following is an entry in ClinVar:

ClinVar aggregate classification (germline): Uncertain significance (1 of 4 stars; one submission).

Conditions:
Charcot-Marie-Tooth disease dominant intermediate B (CMTDIB). Also called: CHARCOT-MARIE-TOOTH NEUROPATHY, DOMINANT INTERMEDIATE B; Charcot-Marie-Tooth disease dominant intermediate 1; CMT DI1; Charcot-Marie-Tooth disease dominant intermediate I. Identifiers: Orphanet 100044, Orphanet 228179, MedGen C1847902, MONDO:0011674, OMIM 606482.

gnomAD v4.1: 2 of 1,614,166 alleles (0.00012%); highest among the groups gnomAD compares: Admixed American, 0.0033%; no homozygotes.

Submission:

Labcorp Genetics (formerly Invitae), Labcorp
Classification: Uncertain significance for Charcot-Marie-Tooth disease dominant intermediate B. Last evaluated: 2024-07-19. Review status: criteria provided, single submitter. Criteria: Invitae Variant Classification Sherloc (09022015). Collection method: clinical testing. Allele origin: germline.
Comment: This sequence change replaces threonine, which is neutral and polar, with serine, which is neutral and polar, at codon 642 of the DNM2 protein (p.Thr642Ser). This variant is present in population databases (no rsID available, gnomAD 0.006%). This variant has not been reported in the literature in individuals affected with DNM2-related conditions. Advanced modeling of protein sequence and biophysical properties (such as structural, functional, and spatial information, amino acid conservation, physicochemical variation, residue mobility, and thermodynamic stability) has been performed at Invitae for this missense variant, however the output from this modeling did not meet the statistical confidence thresholds required to predict the impact of this variant on DNM2 protein function. In summary, the available evidence is currently insufficient to determine the role of this variant in disease. Therefore, it has been classified as a Variant of Uncertain Significance.

NM_001005361.3(DNM2):c.1924A>T (p.Thr642Ser)

Gene: DNM2 (dynamin 2; plus strand). Cytogenetic location: 19p13.2.
Variant type: single nucleotide variant.
Coding change: c.1924A>T on transcript NM_001005361.3 (MANE Select); coding-DNA position 1924, A replaced by T.
Protein change: p.Thr642Ser; replaces threonine 642 with serine.
Molecular consequence: missense variant.
Genome position (GRCh38, 1-based): chr19:10,825,087, A>T. VCF-style: chr19-10825087-A-T. GRCh37 (hg19) VCF-style: chr19-10935763-A-T.
Other names: c.1924A>T, p.Thr642Ser (NM_001005360.3, NM_001190716.2); c.1912A>T, p.Thr638Ser (NM_001005362.3, NM_004945.4); short protein forms T638S, T642S.
Identifiers: ClinVar variation 3717814 (VCV003717814.2).